The following is an entry in ClinVar:

ClinVar aggregate classification (germline): Uncertain significance (1 of 4 stars; one submission).

gnomAD v4.1: 2 of 152,444 alleles (0.0013%); highest among the groups gnomAD compares: Admixed American, 0.013%; no homozygotes.

Submission:

GeneDx
Classification: Uncertain significance. Last evaluated: 2025-10-04. Review status: criteria provided, single submitter. Criteria: GeneDx Variant Classification Process June 2021. Collection method: clinical testing. Allele origin: germline. Affected: yes.
Comment: In silico analysis supports a deleterious effect on splicing; Located in a regulatory region; in the absence of functional studies, the actual effect of this sequence change is unknown; No data available from control populations to assess the frequency of this variant; Has not been previously published as pathogenic or benign to our knowledge

NM_001283009.2(RTEL1):c.-171+5G>A

Genes: RTEL1 (regulator of telomere elongation helicase 1; plus strand), RTEL1-TNFRSF6B (RTEL1-TNFRSF6B readthrough (NMD candidate); plus strand), LOC130066383 (ATAC-STARR-seq lymphoblastoid active region 18239; plus strand). Cytogenetic location: 20q13.33.
Variant type: single nucleotide variant.
Coding change: c.-171+5G>A on transcript NM_001283009.2 (MANE Select); 5 bases into the intron after 171 bases upstream of the start codon, G replaced by A.
Molecular consequence: intron variant.
Genome position (GRCh38, 1-based): chr20:63,658,471, G>A. VCF-style: chr20-63658471-G-A. GRCh37 (hg19) VCF-style: chr20-62289824-G-A.
Other names: c.-568+12G>A (NM_001283010.1); c.-171+5G>A (NM_032957.5, NM_016434.4).
Identifiers: ClinVar variation 4819524 (VCV004819524.1).